The following is an entry in ClinVar:

NM_000812.4(GABRB1):c.1112C>G (p.Thr371Ser)

Gene: GABRB1 (gamma-aminobutyric acid type A receptor subunit beta1; plus strand). Cytogenetic location: 4p12.
Variant type: single nucleotide variant.
Coding change: c.1112C>G on transcript NM_000812.4 (MANE Select); coding-DNA position 1112, C replaced by G.
Protein change: p.Thr371Ser; replaces threonine 371 with serine.
Molecular consequence: missense variant.
Genome position (GRCh38, 1-based): chr4:47,425,705, C>G. VCF-style: chr4-47425705-C-G. GRCh37 (hg19) VCF-style: chr4-47427722-C-G.
Other names: short protein forms T371S.
Identifiers: ClinVar variation 1719930 (VCV001719930.5), dbSNP rs2475515454, ClinGen allele CA356766906.

ClinVar aggregate classification (germline): Uncertain significance (1 of 4 stars; one submission).

Submission:

Labcorp Genetics (formerly Invitae), Labcorp
Classification: Uncertain significance. Last evaluated: 2025-12-08. Review status: criteria provided, single submitter. Criteria: Invitae Variant Classification Sherloc (09022015). Collection method: clinical testing. Allele origin: germline.
Comment: This sequence change replaces threonine, which is neutral and polar, with serine, which is neutral and polar, at codon 371 of the GABRB1 protein (p.Thr371Ser). This variant is not present in population databases (gnomAD no frequency). This variant has not been reported in the literature in individuals affected with GABRB1-related conditions. ClinVar contains an entry for this variant (Variation ID: 1719930). Invitae Evidence Modeling of protein sequence and biophysical properties (such as structural, functional, and spatial information, amino acid conservation, physicochemical variation, residue mobility, and thermodynamic stability) indicates that this missense variant is not expected to disrupt GABRB1 protein function with a negative predictive value of 95%. In summary, the available evidence is currently insufficient to determine the role of this variant in disease. Therefore, it has been classified as a Variant of Uncertain Significance.